The following is an entry in ClinVar:

NM_018847.4(KLHL9):c.1800C>T (p.Asn600=)

Gene: KLHL9 (kelch like family member 9; minus strand). Cytogenetic location: 9p21.3.
Variant type: single nucleotide variant.
Coding change: c.1800C>T on transcript NM_018847.4 (MANE Select); coding-DNA position 1800, C replaced by T.
Protein change: p.Asn600=; no amino-acid change (asparagine 600 retained).
Molecular consequence: synonymous variant.
Genome position (GRCh38, 1-based): chr9:21,333,060, G>A on the plus strand (C>T on the coding strand, the complement: KLHL9 is on the minus strand). VCF-style: chr9-21333060-G-A. GRCh37 (hg19) VCF-style: chr9-21333059-G-A.
Identifiers: ClinVar variation 3617581 (VCV003617581.2).
Genomic context (GRCh38, chr9:21,333,060, plus strand): 5'-TTAGACCTAAGAATGATCTGAAGGTGCTGAAAGAGGTGATTCTCTAGAAGGTGACCCAGG[G>A]TTTTCTTCAGGTGGAAAAACTGTGAGTGTACAGGCTCGAATGCCACCAAGTGACTCTGGA-3'
Protein context (NP_061335.1, residues 590-610): CTLTVFPPEE[Asn600=]PGSPSRESPL

ClinVar aggregate classification (germline): Uncertain significance (1 of 4 stars; one submission).

gnomAD v4.1: 2 of 1,614,138 alleles (0.00012%); highest among the groups gnomAD compares: Non-Finnish European, 0.000085%; no homozygotes.

Submission:

Labcorp Genetics (formerly Invitae), Labcorp
Classification: Uncertain significance. Last evaluated: 2024-10-19. Review status: criteria provided, single submitter. Criteria: Invitae Variant Classification Sherloc (09022015). Collection method: clinical testing. Allele origin: germline.
Comment: This sequence change affects codon 600 of the KLHL9 mRNA. It is a 'silent' change, meaning that it does not change the encoded amino acid sequence of the KLHL9 protein. This variant is not present in population databases (gnomAD no frequency). This variant has not been reported in the literature in individuals affected with KLHL9-related conditions. In summary, the available evidence is currently insufficient to determine the role of this variant in disease. Therefore, it has been classified as a Variant of Uncertain Significance.